The following is an entry in ClinVar:

NC_000003.11:g.(?_4403818)_(4494743_?)del

Gene: SUMF1 (sulfatase modifying factor 1; minus strand). Cytogenetic location: 3p26.1.
Variant type: Deletion.
Identifiers: ClinVar variation 1070279 (VCV001070279.7).

ClinVar aggregate classification (germline): Pathogenic (1 of 4 stars; one submission).

Conditions:
Multiple sulfatase deficiency (MSD). Also called: Multiple Sulfatase Deficiency Disease; Sulfatidosis, Juvenile, Austin Type; Mucosulfatidosis. Identifiers: Orphanet 585, MedGen C0268263, MONDO:0010088, OMIM 272200.

Submission:

Labcorp Genetics (formerly Invitae), Labcorp
Classification: Pathogenic for Multiple sulfatase deficiency. Last evaluated: 2022-10-28. Review status: criteria provided, single submitter. Criteria: Invitae Variant Classification Sherloc (09022015). Collection method: clinical testing. Allele origin: germline.
Comment: This variant is a gross deletion of the genomic region encompassing exon(s) 2-9 of the SUMF1 gene, which includes the termination codon. This deletion extends beyond the assayed region for this gene and therefore may encompass additional genes. While this deletion is not anticipated to lead to nonsense mediated decay, it is expected to alter mRNA translation or result in a truncated protein product. This variant has not been reported in the literature in individuals affected with SUMF1-related conditions. This variant disrupts a region of the SUMF1 protein in which other variant(s) (deletion of exon 9) have been determined to be pathogenic (PMID: 15146462, 25373814, 25885655). This suggests that this is a clinically significant region of the protein, and that variants that disrupt it are likely to be disease-causing. For these reasons, this variant has been classified as Pathogenic.

Literature cited by the submitters: PubMed 15146462; PubMed 25373814; PubMed 25885655.